The following is an entry in ClinVar:

NM_006623.4(PHGDH):c.1504G>A (p.Asp502Asn)

Gene: PHGDH (phosphoglycerate dehydrogenase; plus strand). Cytogenetic location: 1p12.
Variant type: single nucleotide variant.
Coding change: c.1504G>A on transcript NM_006623.4 (MANE Select); coding-DNA position 1504, G replaced by A.
Protein change: p.Asp502Asn; replaces aspartic acid 502 with asparagine.
Molecular consequence: missense variant.
Genome position (GRCh38, 1-based): chr1:119,743,942, G>A. VCF-style: chr1-119743942-G-A. GRCh37 (hg19) VCF-style: chr1-120286565-G-A.
Other names: short protein forms D502N.
Identifiers: ClinVar variation 2210684 (VCV002210684.3), dbSNP rs1028950690, ClinGen allele CA30263953.
Genomic context (GRCh38, chr1:119,743,942, plus strand): 5'-CCAGGCCTCCTGGCAGAGGCAGGCGTGCGGCTGCTGTCCTACCAGACTTCACTGGTGTCA[G>A]ATGGGGAGACCTGGCACGTCATGGGCATCTCCTCCTTGCTGCCCAGCCTGGAAGCGTGGA-3'
Protein context (NP_006614.2, residues 492-512): LLSYQTSLVS[Asp502Asn]GETWHVMGIS

ClinVar aggregate classification (germline): Uncertain significance. Review status: criteria provided, multiple submitters, no conflicts (2 of 4 stars). 2 submissions from 2 submitters: Uncertain significance (2). Last evaluated 2025-07-18.

Conditions:
Inborn genetic diseases. Identifiers: MedGen C0950123, MeSH D030342.

Allele frequency attached by ClinVar (database versions not stated): gnomAD exomes 0.00001; TOPMed 0.00001.
gnomAD v4.1: 7 of 1,613,836 alleles (0.00043%); highest among the groups gnomAD compares: Admixed American, 0.012%; no homozygotes.

Submissions (2):

GeneDx
Classification: Uncertain significance. Last evaluated: 2025-07-18. Review status: criteria provided, single submitter. Criteria: GeneDx Variant Classification Process June 2021. Collection method: clinical testing. Allele origin: germline. Affected: yes.
Comment: In silico analysis suggests that this missense variant does not alter protein structure/function; Has not been previously published as pathogenic or benign to our knowledge

Ambry Genetics
Classification: Uncertain significance for Inborn genetic diseases. Last evaluated: 2022-02-08. Review status: criteria provided, single submitter. Criteria: Ambry Variant Classification Scheme 2023. Collection method: clinical testing. Allele origin: germline.